The following is an entry in ClinVar:

NM_002227.4(JAK1):c.1335-3T>C

Gene: JAK1 (Janus kinase 1; minus strand). Cytogenetic location: 1p31.3.
Variant type: single nucleotide variant.
Coding change: c.1335-3T>C on transcript NM_002227.4 (MANE Select); 3 bases into the intron before coding-DNA position 1335, T replaced by C.
Molecular consequence: intron variant.
Genome position (GRCh38, 1-based): chr1:64,857,782, A>G on the plus strand (T>C on the coding strand, the complement: JAK1 is on the minus strand). VCF-style: chr1-64857782-A-G. GRCh37 (hg19) VCF-style: chr1-65323465-A-G.
Other names: c.1335-3T>C (NM_001321852.2, NM_001321854.2, NM_001321853.2 and 4 more transcripts).
Identifiers: ClinVar variation 3658322 (VCV003658322.2).
Genomic context (GRCh38, chr1:64,857,782, plus strand): 5'-CACGTACATCCCCTCCTCGCTTCCTTCTTGCCGCAATTTATTGATGGCGTATTCTGTACT[A>G]GAGGGAGAAGTAGGCAAAGGGAGAAAGAGCTCACACCAAACAGGACTTTGAACCTCTGGG-3'

ClinVar aggregate classification (germline): Uncertain significance (1 of 4 stars; one submission).

Submission:

Labcorp Genetics (formerly Invitae), Labcorp
Classification: Uncertain significance. Last evaluated: 2024-07-06. Review status: criteria provided, single submitter. Criteria: Invitae Variant Classification Sherloc (09022015). Collection method: clinical testing. Allele origin: germline.
Comment: This sequence change falls in intron 9 of the JAK1 gene. It does not directly change the encoded amino acid sequence of the JAK1 protein. It affects a nucleotide within the consensus splice site. This variant is not present in population databases (gnomAD no frequency). This variant has not been reported in the literature in individuals affected with JAK1-related conditions. Variants that disrupt the consensus splice site are a relatively common cause of aberrant splicing (PMID: 17576681, 9536098). Algorithms developed to predict the effect of sequence changes on RNA splicing suggest that this variant is not likely to affect RNA splicing. In summary, the available evidence is currently insufficient to determine the role of this variant in disease. Therefore, it has been classified as a Variant of Uncertain Significance.

Literature cited by the submitters: PubMed 17576681; PubMed 9536098.